The following is an entry in ClinVar:

NM_152558.5(IQCE):c.2069C>T (p.Thr690Met)

Gene: IQCE (IQ motif containing E; plus strand). Cytogenetic location: 7p22.3.
Variant type: single nucleotide variant.
Coding change: c.2069C>T on transcript NM_152558.5 (MANE Select); coding-DNA position 2069, C replaced by T.
Protein change: p.Thr690Met; replaces threonine 690 with methionine.
Molecular consequence: missense variant.
Genome position (GRCh38, 1-based): chr7:2,610,143, C>T. VCF-style: chr7-2610143-C-T. GRCh37 (hg19) VCF-style: chr7-2649777-C-T.
Other names: c.1874C>T, p.Thr625Met (NM_001287501.2); c.2069C>T (NM_152558.4); short protein forms T625M, T690M.
Identifiers: ClinVar variation 1300037 (VCV001300037.4), dbSNP rs1061566, ClinGen allele CA4129660.

ClinVar aggregate classification (germline): Benign. Review status: criteria provided, single submitter (1 of 4 stars). 2 submissions from 2 submitters: Benign (1). 1 of the submissions does not count toward it. Last evaluated 2021-08-19.

Conditions:
Polydactyly, postaxial, type a7. Identifiers: MedGen C4539976, MONDO:0060550, OMIM 617642.
IQCE-related disorder. Also called: IQCE-related condition.

Allele frequency attached by ClinVar (database versions not stated): 1000 Genomes Project 0.06190; 1000 Genomes Project 30x 0.06230; TOPMed 0.09711; ESP Exome Variant Server 0.11449; ExAC 0.13138.
gnomAD v4.1: 228,270 of 1,604,636 alleles (14%); highest among the groups gnomAD compares: Non-Finnish European, 16%; 18,163 homozygotes.

Submissions (2):

Genome-Nilou Lab
Classification: Benign for Polydactyly, postaxial, type a7. Last evaluated: 2021-08-19. Review status: criteria provided, single submitter. Criteria: ACMG Guidelines, 2015. Collection method: clinical testing. Allele origin: germline. Affected: no.

PreventionGenetics, part of Exact Sciences
Classification: Benign for IQCE-related condition. Last evaluated: 2019-11-26. Review status: no assertion criteria provided. Collection method: clinical testing. Allele origin: germline. Not counted in ClinVar's aggregate classification.
Comment: This variant is classified as benign based on ACMG/AMP sequence variant interpretation guidelines (Richards et al. 2015 PMID: 25741868, with internal and published modifications).